The following is an entry in ClinVar:

NM_000466.3(PEX1):c.230A>G (p.Asn77Ser)

Gene: PEX1 (peroxisomal biogenesis factor 1; minus strand). Cytogenetic location: 7q21.2.
Variant type: single nucleotide variant.
Coding change: c.230A>G on transcript NM_000466.3 (MANE Select); coding-DNA position 230, A replaced by G.
Protein change: p.Asn77Ser; replaces asparagine 77 with serine.
Molecular consequence: missense variant. On other transcripts: 5 prime UTR variant (1).
Genome position (GRCh38, 1-based): chr7:92,522,145, T>C on the plus strand (A>G on the coding strand, the complement: PEX1 is on the minus strand). VCF-style: chr7-92522145-T-C. GRCh37 (hg19) VCF-style: chr7-92151459-T-C.
Other names: c.230A>G, p.Asn77Ser (NM_001282677.2); c.-430A>G (NM_001282678.2); short protein forms N77S.
Identifiers: ClinVar variation 1896357 (VCV001896357.2), dbSNP rs2484712754, ClinGen allele CA368204834.

ClinVar aggregate classification (germline): Uncertain significance (1 of 4 stars; one submission).

Conditions:
Zellweger spectrum disorders (ZS). Also called: Zellweger Spectrum Disorder (ZSD); Zellweger Spectrum Disorder; Zellweger Spectrum; Zellweger syndrome. Identifiers: Orphanet 912, MedGen C0043459, MONDO:0019609.

Submission:

Labcorp Genetics (formerly Invitae), Labcorp
Classification: Uncertain significance for Zellweger spectrum disorders. Last evaluated: 2022-04-18. Review status: criteria provided, single submitter. Criteria: Invitae Variant Classification Sherloc (09022015). Collection method: clinical testing. Allele origin: germline.
Comment: This sequence change replaces asparagine, which is neutral and polar, with serine, which is neutral and polar, at codon 77 of the PEX1 protein (p.Asn77Ser). This variant is not present in population databases (gnomAD no frequency). This variant has not been reported in the literature in individuals affected with PEX1-related conditions. Advanced modeling of protein sequence and biophysical properties (such as structural, functional, and spatial information, amino acid conservation, physicochemical variation, residue mobility, and thermodynamic stability) performed at Invitae indicates that this missense variant is not expected to disrupt PEX1 protein function. In summary, the available evidence is currently insufficient to determine the role of this variant in disease. Therefore, it has been classified as a Variant of Uncertain Significance.